The following is an entry in ClinVar:

NM_000492.4(CFTR):c.1710A>T (p.Leu570Phe)

Gene: CFTR (CF transmembrane conductance regulator; plus strand). Cytogenetic location: 7q31.2.
Variant type: single nucleotide variant.
Coding change: c.1710A>T on transcript NM_000492.4 (MANE Select); coding-DNA position 1710, A replaced by T.
Protein change: p.Leu570Phe; replaces leucine 570 with phenylalanine.
Molecular consequence: missense variant.
Genome position (GRCh38, 1-based): chr7:117,590,383, A>T. VCF-style: chr7-117590383-A-T. GRCh37 (hg19) VCF-style: chr7-117230437-A-T.
Other names: short protein forms L570F.
Identifiers: ClinVar variation 4650256 (VCV004650256.1).

ClinVar aggregate classification (germline): Uncertain significance (1 of 4 stars; one submission).

Conditions:
Cystic fibrosis (CF). Also called: MUCOVISCIDOSIS. Identifiers: Orphanet 586, MedGen C0010674, MONDO:0009061, OMIM 219700. Disease mechanism: loss of function.

Submission:

Ambry Genetics
Classification: Uncertain significance for Cystic fibrosis. Last evaluated: 2025-11-11. Review status: criteria provided, single submitter. Criteria: Ambry Variant Classification Scheme 2023. Collection method: clinical testing. Allele origin: germline.
Comment: The p.L570F variant (also known as c.1710A>T), located in coding exon 13 of the CFTR gene, results from an A to T substitution at nucleotide position 1710. The leucine at codon 570 is replaced by phenylalanine, an amino acid with highly similar properties. This amino acid position is conserved. In addition, this alteration is predicted to be deleterious by in silico analysis. Based on the available evidence, the clinical significance of this variant remains unclear.